The following is an entry in ClinVar:

NM_001042492.3(NF1):c.2749del (p.Val917fs)

Gene: NF1 (neurofibromin 1; plus strand). Cytogenetic location: 17q11.2.
Variant type: Deletion.
Coding change: c.2749del on transcript NM_001042492.3 (MANE Select); coding-DNA position 2749, one base deleted (G; older notation c.2749delG).
Protein change: p.Val917fs; shifts the reading frame from valine 917.
Molecular consequence: frameshift variant.
Genome position (GRCh38, 1-based): chr17:31,229,364, G deleted. VCF-style (leftmost placement, unchanged base first): chr17-31229363-TG-T. GRCh37 (hg19) VCF-style: chr17-29556381-TG-T.
Other names: c.2749del, p.Val917fs (NM_000267.4); short protein forms V917fs.
Identifiers: ClinVar variation 4716232 (VCV004716232.1).

ClinVar aggregate classification (germline): Pathogenic (1 of 4 stars; one submission).

Conditions:
Neurofibromatosis, type 1 (NF1). Also called: NEUROFIBROMATOSIS, TYPE I, SOMATIC; VON RECKLINGHAUSEN DISEASE; Peripheral type neurofibromatosis; Neurofibromatosis, type I. Identifiers: Orphanet 636, MedGen C0027831, MONDO:0018975, OMIM 162200. Disease mechanism: loss of function.

Submission:

Labcorp Genetics (formerly Invitae), Labcorp
Classification: Pathogenic for Neurofibromatosis, type 1. Last evaluated: 2025-03-29. Review status: criteria provided, single submitter. Criteria: Invitae Variant Classification Sherloc (09022015). Collection method: clinical testing. Allele origin: germline.
Comment: This sequence change creates a premature translational stop signal (p.Val917Leufs*7) in the NF1 gene. It is expected to result in an absent or disrupted protein product. Loss-of-function variants in NF1 are known to be pathogenic (PMID: 10712197, 23913538). This variant is not present in population databases (gnomAD no frequency). This variant has not been reported in the literature in individuals affected with NF1-related conditions. For these reasons, this variant has been classified as Pathogenic.

Literature cited by the submitters: PubMed 10712197; PubMed 23913538.